The following is an entry in ClinVar:

ClinVar aggregate classification (germline): Uncertain significance (0 of 4 stars; one submission).

Conditions:
Prostate cancer. Also called: Malignant tumor of prostate. Identifiers: Orphanet 1331, MedGen C0376358, MONDO:0008315, HP:0012125.

Allele frequency attached by ClinVar (database versions not stated): gnomAD exomes 0.00006; TOPMed 0.00006; ExAC 0.00005; ESP Exome Variant Server 0.00008; gnomAD 0.00004.
gnomAD v4.1: 50 of 1,478,024 alleles (0.0034%); highest among the groups gnomAD compares: East Asian, 0.026%; no homozygotes.

Submission:

Science for Life laboratory,  Karolinska Institutet
Classification: Uncertain significance for Malignant tumor of prostate. Review status: no assertion criteria provided. Collection method: not provided. Allele origin: somatic.
Comment: TumorID:SWE-13
ClinVar note: Converted during submission from Unknown to Uncertain significance.

NM_024870.4(PREX2):c.1444-4G>A

Gene: PREX2 (phosphatidylinositol-3,4,5-trisphosphate dependent Rac exchange factor 2; plus strand). Cytogenetic location: 8q13.2.
Variant type: single nucleotide variant.
Coding change: c.1444-4G>A on transcript NM_024870.4 (MANE Select); 4 bases into the intron before coding-DNA position 1444, G replaced by A.
Molecular consequence: intron variant.
Genome position (GRCh38, 1-based): chr8:68,069,831, G>A. VCF-style: chr8-68069831-G-A. GRCh37 (hg19) VCF-style: chr8-68982066-G-A.
Other names: c.1444-4G>A (NM_025170.6).
Identifiers: ClinVar variation 161771 (VCV000161771.2), dbSNP rs193920825, ClinGen allele CA174754.
Genomic context (GRCh38, chr8:68,069,831, plus strand): 5'-AAATTTCATTGAAATGTCCCTTGGGTAATCTCACTTGTTTTTGATATATCTCTATTTTAC[G>A]TAGGGTGTAAGATTATATTGTCGTCTTCATAGCCTTTTTACTCCAGTGATAAGGTGAGTC-3'